The following is an entry in ClinVar:

ClinVar aggregate classification (germline): Likely pathogenic (1 of 4 stars; one submission).

Conditions:
Osteogenesis imperfecta type I (OI1). Also called: Classic Non-deforming Osteogenesis Imperfecta with Blue Sclerae; OI, TYPE I; OSTEOGENESIS IMPERFECTA TARDA; OSTEOGENESIS IMPERFECTA WITH BLUE SCLERAE; Osteogenesis imperfecta type 1; Lobstein's Disease. Identifiers: Orphanet 216796, Orphanet 666, MedGen C0023931, MONDO:0008146, OMIM 166200. Disease mechanism: loss of function.

Submission:

Labcorp Genetics (formerly Invitae), Labcorp
Classification: Likely pathogenic for Osteogenesis imperfecta type I. Last evaluated: 2025-11-04. Review status: criteria provided, single submitter. Criteria: Invitae Variant Classification Sherloc (09022015). Collection method: clinical testing. Allele origin: germline.
Comment: This variant, c.185_190dup, results in the insertion of 2 amino acid(s) of the COL1A1 protein (p.Val62_Cys63dup), but otherwise preserves the integrity of the reading frame. This variant is not present in population databases (gnomAD no frequency). This variant has been observed in individual(s) with clinical features of COL1A1-related conditions (internal data). In at least one individual the variant was observed to be de novo. In summary, the currently available evidence indicates that the variant is pathogenic, but additional data are needed to prove that conclusively. Therefore, this variant has been classified as Likely Pathogenic.

NM_000088.4(COL1A1):c.179TCTGCG[3] (p.Cys63_Asp64insValCys)

Gene: COL1A1 (collagen type I alpha 1 chain; minus strand). Cytogenetic location: 17q21.33.
Variant type: Microsatellite.
Coding change: c.179TCTGCG[3] on transcript NM_000088.4 (MANE Select); three copies in a row of the 6-base unit TCTGCG starting at c.179; the reference has two copies in a row; one copy, 6 bases duplicated.
Protein change: p.Cys63_Asp64insValCys.
Molecular consequence: inframe insertion.
Genome position (GRCh38, 1-based): chr17:50,199,861-50,199,866, CGCAGA duplicated on the plus strand (TCTGCG on the coding strand, the reverse complement: COL1A1 is on the minus strand); duplicating any 6 consecutive bases within chr17:50,199,861-50,199,872 gives the same sequence; the position shown is the placement nearest the transcript's 3' end. VCF-style (leftmost placement, unchanged base first): chr17-50199860-T-TCGCAGA. GRCh37 (hg19) VCF-style: chr17-48277221-T-TCGCAGA.
Identifiers: ClinVar variation 2769902 (VCV002769902.3), dbSNP rs2509258957, ClinGen allele CA2697560381.